The following is an entry in ClinVar:

ClinVar aggregate classification (germline): Likely pathogenic (1 of 4 stars; one submission).

Conditions:
Gaucher disease. Also called: Acute cerebral Gaucher disease; Cerebroside lipidosis syndrome; Gaucher splenomegaly; Sphingolipidosis 1; Glucocerebrosidosis; Glucosylceramidase deficiency. Identifiers: Orphanet 355, MedGen C0017205, MONDO:0018150.

Submission:

Natera, Inc.
Classification: Likely pathogenic for Gaucher disease. Last evaluated: 2025-10-15. Review status: criteria provided, single submitter. Criteria: Natera Variant Classification Schema (03/2026). Collection method: clinical testing. Allele origin: germline.
Comment: The c.907C>G variant in GBA1 is a missense variant predicted to cause substitution of leucine to valine at amino acid 303. This variant is rare in the general population with a frequency below the threshold expected for the associated phenotype(s). This variant has been observed in one or more individuals affected with the associated recessive disease, as either homozygous or compound heterozygous with a second variant (PMID: 29095814, 29685539, 32165122, 41032223). A different variant at the same position has been determined to be Pathogenic or Likely Pathogenic. Computational prediction algorithms indicate this variant is likely to affect gene or protein function. Given the available evidence, this variant is classified as Likely Pathogenic.

Literature cited by the submitters: PubMed 29095814; PubMed 29685539; PubMed 32165122; PubMed 41032223.

NM_000157.4(GBA1):c.907C>G (p.Leu303Val)

Genes: GBA1 (glucosylceramidase beta 1; minus strand), LOC106627981 (GBA recombination region; plus strand). Cytogenetic location: 1q22.
Variant type: single nucleotide variant.
Coding change: c.907C>G on transcript NM_000157.4 (MANE Select); coding-DNA position 907, C replaced by G.
Protein change: p.Leu303Val; replaces leucine 303 with valine.
Molecular consequence: missense variant.
Genome position (GRCh38, 1-based): chr1:155,237,433, G>C on the plus strand (C>G on the coding strand, the complement: GBA1 is on the minus strand). VCF-style: chr1-155237433-G-C. GRCh37 (hg19) VCF-style: chr1-155207224-G-C.
Other names: c.907C>G, p.Leu303Val (NM_001005741.3, NM_001005742.3); c.646C>G, p.Leu216Val (NM_001171811.2); c.760C>G, p.Leu254Val (NM_001171812.2); short protein forms L216V, L254V, L303V.
Identifiers: ClinVar variation 4817823 (VCV004817823.1).